The following is an entry in ClinVar:

ClinVar aggregate classification (germline): Uncertain significance. Review status: criteria provided, multiple submitters, no conflicts (2 of 4 stars). 2 submissions from 2 submitters: Uncertain significance (2). Last evaluated 2025-09-15.

Allele frequency attached by ClinVar (database versions not stated): gnomAD 0.00001; TOPMed 0.00002.
gnomAD v4.1: 24 of 1,254,870 alleles (0.0019%); highest among the groups gnomAD compares: Non-Finnish European, 0.0023%; no homozygotes.

Submissions (2):

Labcorp Genetics (formerly Invitae), Labcorp
Classification: Uncertain significance. Last evaluated: 2025-09-15. Review status: criteria provided, single submitter. Criteria: Invitae Variant Classification Sherloc (09022015). Collection method: clinical testing. Allele origin: germline.
Comment: This sequence change replaces glycine, which is neutral and non-polar, with cysteine, which is neutral and slightly polar, at codon 43 of the GRM6 protein (p.Gly43Cys). This variant is present in population databases (no rsID available, gnomAD 0.007%). This variant has not been reported in the literature in individuals affected with GRM6-related conditions. ClinVar contains an entry for this variant (Variation ID: 2415551). Invitae Evidence Modeling of protein sequence and biophysical properties (such as structural, functional, and spatial information, amino acid conservation, physicochemical variation, residue mobility, and thermodynamic stability) has been performed for this missense variant. However, the output from this modeling did not meet the statistical confidence thresholds required to predict the impact of this variant on GRM6 protein function. In summary, the available evidence is currently insufficient to determine the role of this variant in disease. Therefore, it has been classified as a Variant of Uncertain Significance.

Blueprint Genetics
Classification: Uncertain significance. Last evaluated: 2023-04-13. Review status: criteria provided, single submitter. Criteria: ACMG Guidelines, 2015. Collection method: clinical testing. Allele origin: germline.

NM_000843.4(GRM6):c.127G>T (p.Gly43Cys)

Gene: GRM6 (glutamate metabotropic receptor 6; minus strand). Cytogenetic location: 5q35.3.
Variant type: single nucleotide variant.
Coding change: c.127G>T on transcript NM_000843.4 (MANE Select); coding-DNA position 127, G replaced by T.
Protein change: p.Gly43Cys; replaces glycine 43 with cysteine.
Molecular consequence: missense variant.
Genome position (GRCh38, 1-based): chr5:178,994,818, C>A on the plus strand (G>T on the coding strand, the complement: GRM6 is on the minus strand). VCF-style: chr5-178994818-C-A. GRCh37 (hg19) VCF-style: chr5-178421819-C-A.
Other names: short protein forms G43C.
Identifiers: ClinVar variation 2415551 (VCV002415551.7), dbSNP rs1211186758, ClinGen allele CA362437017.